The following is an entry in ClinVar:

ClinVar aggregate classification (germline): Uncertain significance. Review status: criteria provided, multiple submitters, no conflicts (2 of 4 stars). 2 submissions from 2 submitters: Uncertain significance (2). Last evaluated 2025-10-12.

Conditions:
Blepharophimosis - intellectual disability syndrome, MKB type. Also called: BLEPHAROPHIMOSIS-MENTAL RETARDATION SYNDROME, MAAT-KIEVIT-BRUNNER TYPE; Ohdo syndrome, X-linked; X-Linked Ohdo Syndrome (XLOS). Identifiers: Orphanet 293707, MedGen C3698541, MONDO:0010477, OMIM 300895.
FG syndrome (FGS). Identifiers: MedGen C0220769, MONDO:0002010.

gnomAD v4.1: 1 of 1,211,434 alleles (0.000083%); highest among the groups gnomAD compares: Non-Finnish European, 0.00011%; no homozygotes.

Submissions (2):

Labcorp Genetics (formerly Invitae), Labcorp
Classification: Uncertain significance for FG syndrome. Last evaluated: 2025-10-12. Review status: criteria provided, single submitter. Criteria: Invitae Variant Classification Sherloc (09022015). Collection method: clinical testing. Allele origin: germline.
Comment: This sequence change replaces tyrosine, which is neutral and polar, with cysteine, which is neutral and slightly polar, at codon 2006 of the MED12 protein (p.Tyr2006Cys). This variant is not present in population databases (gnomAD no frequency). This variant has not been reported in the literature in individuals affected with MED12-related conditions. ClinVar contains an entry for this variant (Variation ID: 2431417). Invitae Evidence Modeling of protein sequence and biophysical properties (such as structural, functional, and spatial information, amino acid conservation, physicochemical variation, residue mobility, and thermodynamic stability) has been performed for this missense variant. However, the output from this modeling did not meet the statistical confidence thresholds required to predict the impact of this variant on MED12 protein function. In summary, the available evidence is currently insufficient to determine the role of this variant in disease. Therefore, it has been classified as a Variant of Uncertain Significance.

Laboratorio de Genetica e Diagnostico Molecular, Hospital Israelita Albert Einstein
Classification: Uncertain significance for Blepharophimosis - intellectual disability syndrome, MKB type. Last evaluated: 2022-03-24. Review status: criteria provided, single submitter. Criteria: ACMG Guidelines, 2015. Collection method: clinical testing. Allele origin: germline. Affected: yes. Observed: 1 variant allele.
Comment: ACMG classification criteria: PM2 moderated, PP2 supporting, BP4 supporting

NM_005120.3(MED12):c.6017A>G (p.Tyr2006Cys)

Gene: MED12 (mediator complex subunit 12; plus strand). Cytogenetic location: Xq13.1.
Variant type: single nucleotide variant.
Coding change: c.6017A>G on transcript NM_005120.3 (MANE Select); coding-DNA position 6017, A replaced by G.
Protein change: p.Tyr2006Cys; replaces tyrosine 2006 with cysteine.
Molecular consequence: missense variant.
Genome position (GRCh38, 1-based): chrX:71,137,916, A>G. VCF-style: chrX-71137916-A-G. GRCh37 (hg19) VCF-style: chrX-70357766-A-G.
Other names: short protein forms Y2006C.
Identifiers: ClinVar variation 2431417 (VCV002431417.2), dbSNP rs769232520, ClinGen allele CA413539573.